The following is an entry in ClinVar:

NM_004287.5(GOSR2):c.262del (p.Gln88fs)

Genes: GOSR2 (golgi SNAP receptor complex member 2; plus strand), LRRC37A2 (leucine rich repeat containing 37 member A2), LOC126862578 (BRD4-independent group 4 enhancer GRCh37_chr17:45008344-45009543; plus strand). Cytogenetic location: 17q21.32.
Variant type: Deletion.
Coding change: c.262del on transcript NM_004287.5 (MANE Select); coding-DNA position 262, one base deleted (C; older notation c.262delC).
Protein change: p.Gln88fs; shifts the reading frame from glutamine 88.
Molecular consequence: frameshift variant. On other transcripts: non-coding transcript variant (3).
Genome position (GRCh38, 1-based): chr17:46,932,125, C deleted; the last of 2 consecutive C bases (chr17:46,932,124-46,932,125); deleting either gives the same sequence. VCF-style (leftmost placement, unchanged base first): chr17-46932123-TC-T. GRCh37 (hg19) VCF-style: chr17-45009489-TC-T.
Other names: c.262del, p.Gln88fs (NM_001012511.3, NM_001321133.2, NM_001330252.2 and 1 more transcripts); c.208del, p.Gln70fs (NM_001321134.2, NM_001363851.2); c.259del, p.Gln87fs (NM_001353114.2, NM_001353115.2, NM_001353116.2); short protein forms Q87fs, Q70fs, Q88fs.
Identifiers: ClinVar variation 859319 (VCV000859319.8), dbSNP rs776869841, ClinGen allele CA8621219.

ClinVar aggregate classification (germline): Pathogenic (1 of 4 stars; one submission).

Conditions:
Progressive myoclonic epilepsy. Also called: Myoclonus epilepsy; Familial progressive myoclonic epilepsy; Progressive myoclonus epilepsy; Myoclonic Epilepsies, Progressive. Identifiers: Orphanet 308, Orphanet 98261, MedGen C0751778, MONDO:0020074.

Submission:

Labcorp Genetics (formerly Invitae), Labcorp
Classification: Pathogenic for Progressive myoclonic epilepsy. Last evaluated: 2025-03-19. Review status: criteria provided, single submitter. Criteria: Invitae Variant Classification Sherloc (09022015). Collection method: clinical testing. Allele origin: germline.
Comment: This sequence change creates a premature translational stop signal (p.Gln88Serfs*55) in the GOSR2 gene. It is expected to result in an absent or disrupted protein product. Loss-of-function variants in GOSR2 are known to be pathogenic (PMID: 21549339). This variant is present in population databases (rs776869841, gnomAD 0.006%). This variant has not been reported in the literature in individuals affected with GOSR2-related conditions. ClinVar contains an entry for this variant (Variation ID: 859319). For these reasons, this variant has been classified as Pathogenic.

Literature cited by the submitters: PubMed 21549339.